The following is an entry in ClinVar:

NM_013275.6(ANKRD11):c.702C>T (p.Asp234=)

Gene: ANKRD11 (ankyrin repeat domain 11; minus strand). Cytogenetic location: 16q24.3.
Variant type: single nucleotide variant.
Coding change: c.702C>T on transcript NM_013275.6 (MANE Select); coding-DNA position 702, C replaced by T.
Protein change: p.Asp234=; no amino-acid change (aspartic acid 234 retained).
Molecular consequence: synonymous variant. On other transcripts: non-coding transcript variant (1).
Genome position (GRCh38, 1-based): chr16:89,288,570, G>A on the plus strand (C>T on the coding strand, the complement: ANKRD11 is on the minus strand). VCF-style: chr16-89288570-G-A. GRCh37 (hg19) VCF-style: chr16-89354978-G-A.
Other names: c.702C>T, p.Asp234= (NM_001256182.2, NM_001256183.2).
Identifiers: ClinVar variation 2647096 (VCV002647096.28), dbSNP rs192798250, ClinGen allele CA8243012.

ClinVar aggregate classification (germline): Likely benign. Review status: criteria provided, multiple submitters, no conflicts (2 of 4 stars). 3 submissions from 3 submitters: Likely benign (3). Last evaluated 2025-11-10.

Conditions:
KBG syndrome (KBGS). Also called: ANKRD11-Related KBG Syndrome. Identifiers: Orphanet 2332, MedGen C0220687, MONDO:0007846, OMIM 148050.

Allele frequency attached by ClinVar (database versions not stated): ESP Exome Variant Server 0.00008; gnomAD 0.00011; TOPMed 0.00011; 1000 Genomes Project 30x 0.00016; ExAC 0.00017; 1000 Genomes Project 0.00020; gnomAD exomes 0.00022.
gnomAD v4.1: 336 of 1,614,146 alleles (0.021%); highest among the groups gnomAD compares: Middle Eastern, 0.049%; 1 homozygote.

Submissions (3):

Labcorp Genetics (formerly Invitae), Labcorp
Classification: Likely benign for KBG syndrome. Last evaluated: 2025-11-10. Review status: criteria provided, single submitter. Criteria: Invitae Variant Classification Sherloc (09022015). Collection method: clinical testing. Allele origin: germline.

CeGaT Center for Human Genetics Tuebingen
Classification: Likely benign. Last evaluated: 2024-10-01. Review status: criteria provided, single submitter. Criteria: CeGaT Center For Human Genetics Tuebingen Variant Classification Criteria Version 2. Collection method: clinical testing. Allele origin: germline. Affected: yes. Observed: 3 variant alleles.
Comment: ANKRD11: BP4, BP7

Blueprint Genetics
Classification: Likely benign. Last evaluated: 2023-01-27. Review status: criteria provided, single submitter. Criteria: ACMG Guidelines, 2015. Collection method: clinical testing. Allele origin: germline.